The following is an entry in ClinVar:

ClinVar aggregate classification (germline): Benign (0 of 4 stars; one submission).

Conditions:
UBE3C-related disorder. Also called: UBE3C-related condition.

Allele frequency attached by ClinVar (database versions not stated): gnomAD exomes 0.36658; ExAC 0.40259; gnomAD 0.47722; ESP Exome Variant Server 0.48962; TOPMed 0.49836; 1000 Genomes Project 0.50958; 1000 Genomes Project 30x 0.51827.
gnomAD v4.1: 609,465 of 1,613,324 alleles (38%); highest among the groups gnomAD compares: African/African-American, 77%; 122,826 homozygotes.

Submission:

PreventionGenetics, part of Exact Sciences
Classification: Benign for UBE3C-related condition. Last evaluated: 2019-10-17. Review status: no assertion criteria provided. Collection method: clinical testing. Allele origin: germline.
Comment: This variant is classified as benign based on ACMG/AMP sequence variant interpretation guidelines (Richards et al. 2015 PMID: 25741868, with internal and published modifications).

NM_014671.3(UBE3C):c.1503T>C (p.Tyr501=)

Gene: UBE3C (ubiquitin protein ligase E3C; plus strand). Cytogenetic location: 7q36.3.
Variant type: single nucleotide variant.
Coding change: c.1503T>C on transcript NM_014671.3 (MANE Select); coding-DNA position 1503, T replaced by C.
Protein change: p.Tyr501=; no amino-acid change (tyrosine 501 retained).
Molecular consequence: synonymous variant.
Genome position (GRCh38, 1-based): chr7:157,207,482, T>C. VCF-style: chr7-157207482-T-C. GRCh37 (hg19) VCF-style: chr7-157000176-T-C.
Identifiers: ClinVar variation 3059343 (VCV003059343.2), dbSNP rs2301914, ClinGen allele CA4589861.
Genomic context (GRCh38, chr7:157,207,482, plus strand): 5'-GATATCCAGGGGTTCTCCTATGTCTTTTGAAGATTCTAGTCGAATCATCCCACTCTTTTA[T>C]CTTTTTAGCTCCTTGTTTAGTCATTCACTAATTTCCATACATGATAACGAATTCTTCGGT-3'
Protein context (NP_055486.2, residues 491-511): EDSSRIIPLF[Tyr501=]LFSSLFSHSL